The following is an entry in ClinVar:

ClinVar aggregate classification (germline): Uncertain significance (1 of 4 stars; one submission).

Conditions:
Paroxysmal nonkinesigenic dyskinesia. Also called: Paroxysmal non-kinesigenic dyskinesia. Identifiers: Orphanet 98810, MedGen C1869117, MONDO:0700088.

Submission:

Labcorp Genetics (formerly Invitae), Labcorp
Classification: Uncertain significance for Paroxysmal nonkinesigenic dyskinesia. Last evaluated: 2022-07-11. Review status: criteria provided, single submitter. Criteria: Invitae Variant Classification Sherloc (09022015). Collection method: clinical testing. Allele origin: germline.
Comment: In summary, the available evidence is currently insufficient to determine the role of this variant in disease. Therefore, it has been classified as a Variant of Uncertain Significance. Algorithms developed to predict the effect of missense changes on protein structure and function are either unavailable or do not agree on the potential impact of this missense change (SIFT: "Deleterious"; PolyPhen-2: "Possibly Damaging"; Align-GVGD: "Class C0"). ClinVar contains an entry for this variant (Variation ID: 1395886). This variant has not been reported in the literature in individuals affected with PNKD-related conditions. This variant is not present in population databases (gnomAD no frequency). This sequence change replaces arginine, which is basic and polar, with tryptophan, which is neutral and slightly polar, at codon 313 of the PNKD protein (p.Arg313Trp).

NM_015488.5(PNKD):c.937A>T (p.Arg313Trp)

Genes: CATIP-AS2 (CATIP antisense RNA 2; minus strand), PNKD (PNKD metallo-beta-lactamase domain containing; plus strand). Cytogenetic location: 2q35.
Variant type: single nucleotide variant.
Coding change: c.937A>T on transcript NM_015488.5 (MANE Select); coding-DNA position 937, A replaced by T.
Protein change: p.Arg313Trp; replaces arginine 313 with tryptophan.
Molecular consequence: missense variant.
Genome position (GRCh38, 1-based): chr2:218,344,523, A>T. VCF-style: chr2-218344523-A-T. GRCh37 (hg19) VCF-style: chr2-219209246-A-T.
Other names: c.865A>T, p.Arg289Trp (NM_022572.5); short protein forms R289W, R313W.
Identifiers: ClinVar variation 1395886 (VCV001395886.6), dbSNP rs2106298400, ClinGen allele CA350542851.
Genomic context (GRCh38, chr2:218,344,523, plus strand): 5'-TATGCAGAGGAGAACCTGGGCTTTGCAGGTGTGGTGGAGCCCGAGAACCTGGCCCGGGAG[A>T]GGAAGATGCAGTGGGTGCAGCGGCAGCGGCTGGAGCGCAAGGGCACGGTGAGGGACTCGG-3'
Protein context (NP_056303.3, residues 303-323): VVEPENLARE[Arg313Trp]KMQWVQRQRL